The following is an entry in ClinVar:

ClinVar aggregate classification (germline): Likely pathogenic (1 of 4 stars; one submission).

Conditions:
Palmoplantar keratoderma, punctate type 1A (PPKP1A). Also called: PALMOPLANTAR KERATODERMA, PUNCTATE TYPE IA. Identifiers: Orphanet 79501, MedGen CN031225, MONDO:0007858, OMIM 148600.

Submission:

Juno Genomics, Hangzhou Juno Genomics, Inc
Classification: Likely pathogenic for Palmoplantar keratoderma, punctate type 1A. Review status: criteria provided, single submitter. Criteria: ACMG Guidelines, 2015. Collection method: clinical testing. Allele origin: germline.
Comment: Null variant in a gene where loss of function (LOF) is a known mechanism of disease.;Absent from controls (or at extremely low frequency if recessive) in Genome Aggregation Database.

NM_024666.5(AAGAB):c.770del (p.Gly257fs)

Gene: AAGAB (alpha and gamma adaptin binding protein; minus strand). Cytogenetic location: 15q23.
Variant type: Deletion.
Coding change: c.770del on transcript NM_024666.5 (MANE Select); coding-DNA position 770, one base deleted (G; older notation c.770delG).
Protein change: p.Gly257fs; shifts the reading frame from glycine 257.
Molecular consequence: frameshift variant.
Genome position (GRCh38, 1-based): chr15:67,204,094, C deleted on the plus strand (G on the coding strand, the reverse complement: AAGAB is on the minus strand); the first of 2 consecutive C bases (chr15:67,204,094-67,204,095); deleting either gives the same sequence. VCF-style (leftmost placement, unchanged base first): chr15-67204093-TC-T. GRCh37 (hg19) VCF-style: chr15-67496431-TC-T.
Other names: c.443del, p.Gly148fs (NM_001271885.2, NM_001271886.2); short protein forms G257fs, G148fs.
Identifiers: ClinVar variation 5005449 (VCV005005449.2).